The following is an entry in ClinVar:

NM_001040142.2(SCN2A):c.2638G>T (p.Ala880Ser)

Gene: SCN2A (sodium voltage-gated channel alpha subunit 2; plus strand). Cytogenetic location: 2q24.3.
Variant type: single nucleotide variant.
Coding change: c.2638G>T on transcript NM_001040142.2 (MANE Select); coding-DNA position 2638, G replaced by T.
Protein change: p.Ala880Ser; replaces alanine 880 with serine.
Molecular consequence: missense variant.
Genome position (GRCh38, 1-based): chr2:165,344,630, G>T. VCF-style: chr2-165344630-G-T. GRCh37 (hg19) VCF-style: chr2-166201140-G-T.
Other names: c.2638G>T, p.Ala880Ser (NM_001040143.2, NM_001371246.1, NM_001371247.1 and 1 more transcripts); short protein forms A880S.
Identifiers: ClinVar variation 808846 (VCV000808846.52), dbSNP rs1574641522, ClinGen allele CA349013430.

ClinVar aggregate classification (germline): Conflicting classifications of pathogenicity. Review status: criteria provided, conflicting classifications (1 of 4 stars). 3 submissions from 3 submitters: Pathogenic (1); Likely pathogenic (1); Uncertain significance (1). Last evaluated 2025-08-21.

Conditions:
Complex neurodevelopmental disorder. Identifiers: Orphanet 528084, MedGen C5568766, MONDO:0100038.
Seizures, benign familial infantile, 3 (BFIS3). Also called: CONVULSIONS, BENIGN FAMILIAL INFANTILE, 3; Familial neonatal seizures. Identifiers: Orphanet 140927, Orphanet 306, MedGen C1843140, MONDO:0011904, OMIM 607745.
Developmental and epileptic encephalopathy, 11 (DEE11). Also called: Early infantile epileptic encephalopathy 11. Identifiers: Orphanet 1934, MedGen C3150987, MONDO:0013388, OMIM 613721.

Submissions (4):

Labcorp Genetics (formerly Invitae), Labcorp
Classification: Pathogenic for Seizures, benign familial infantile, 3; Developmental and epileptic encephalopathy, 11. Last evaluated: 2025-08-21. Review status: criteria provided, single submitter. Criteria: Invitae Variant Classification Sherloc (09022015). Collection method: clinical testing. Allele origin: germline.
Comment: This sequence change replaces alanine, which is neutral and non-polar, with serine, which is neutral and polar, at codon 880 of the SCN2A protein (p.Ala880Ser). This variant is not present in population databases (gnomAD no frequency). This missense change has been observed in individual(s) with clinical features of SCN2A-related conditions (internal data). In at least one individual the variant was observed to be de novo. ClinVar contains an entry for this variant (Variation ID: 808846). Invitae Evidence Modeling of protein sequence and biophysical properties (such as structural, functional, and spatial information, amino acid conservation, physicochemical variation, residue mobility, and thermodynamic stability) indicates that this missense variant is expected to disrupt SCN2A protein function with a positive predictive value of 95%. Experimental studies are conflicting or provide insufficient evidence to determine the effect of this variant on SCN2A function (PMID: 37578743). For these reasons, this variant has been classified as Pathogenic.

CeGaT Center for Human Genetics Tuebingen
Classification: Uncertain significance. Last evaluated: 2019-01-01. Review status: criteria provided, single submitter. Criteria: CeGaT Center For Human Genetics Tuebingen Variant Classification Criteria Version 2. Collection method: clinical testing. Allele origin: germline. Affected: yes. Observed: 3 variant alleles.

Pediatrics, MediClubGeorgia
Classification: Likely pathogenic for Developmental and epileptic encephalopathy, 11. Review status: criteria provided, single submitter. Criteria: ACMG Guidelines, 2015. Collection method: clinical testing. Allele origin: de novo. Inheritance: Autosomal dominant inheritance. Affected: yes. Observed: 1 heterozygote.
Comment: This variant is absent in population databases. This variant has not been described in the literature, but is submitted in ClinVar as a likely pathogenic. Parents were also tested and this variant was not detected. Algorithms developed to predict the effect of missense variants showed: Sift- Deleterious, PolyPhen2-HDIV- Probably damaging, MutationTaster- Damaging, Provean - Damaging. This alanine residue is highly conserved.

Channelopathy-Associated Epilepsy Research Center
No classification provided (evidence only). Condition: Complex neurodevelopmental disorder. Review status: no classification provided. Collection method: literature only. Allele origin: not applicable. Functional consequence: Normal peak current, Normal voltage dependence of activation, Normal slope of activation, Normal voltage dependence of fast inactivation, Normal slope of fast inactivation, Mild-moderate slowing of recovery from fast inactivation, Normal recovery from slow inactivation, Acceleration of fast inactivation, Normal ramp current, Normal persistent current. Not counted in ClinVar's aggregate classification.
ClinVar note: "not provided" was previously submitted as the classification for the variant. However, the classification appeared to be based only on an observation of functional data so it was converted to no classification on 2025-07-30.

Literature cited by the submitters: PubMed 37578743 (cited by Labcorp Genetics (formerly Invitae), Labcorp and Channelopathy-Associated Epilepsy Research Center).